The following is an entry in ClinVar:

NM_004415.4(DSP):c.1392A>C (p.Arg464Ser)

Gene: DSP (desmoplakin; plus strand). Cytogenetic location: 6p24.3.
Variant type: single nucleotide variant.
Coding change: c.1392A>C on transcript NM_004415.4 (MANE Select); coding-DNA position 1392, A replaced by C.
Protein change: p.Arg464Ser; replaces arginine 464 with serine.
Molecular consequence: missense variant.
Genome position (GRCh38, 1-based): chr6:7,568,562, A>C. VCF-style: chr6-7568562-A-C. GRCh37 (hg19) VCF-style: chr6-7568795-A-C.
Other names: c.1392A>C (LRG_423t1); c.1392A>C, p.Arg464Ser (NM_001008844.3, NM_001319034.2); short protein forms R464S.
Identifiers: ClinVar variation 465880 (VCV000465880.10), dbSNP rs1403332231, ClinGen allele CA362676709.

ClinVar aggregate classification (germline): Uncertain significance. Review status: criteria provided, multiple submitters, no conflicts (2 of 4 stars). 2 submissions from 2 submitters: Uncertain significance (2). Last evaluated 2023-12-01.

Conditions:
Arrhythmogenic cardiomyopathy with wooly hair and keratoderma. Also called: Dilated cardiomyopathy with woolly hair and keratoderma; Arrhythmogenic cardiomyopathy with woolly hair and keratoderma; PALMOPLANTAR KERATODERMA WITH LEFT VENTRICULAR CARDIOMYOPATHY AND WOOLLY HAIR; Carvajal syndrome. Identifiers: Orphanet 65282, MedGen C1854063, MONDO:0011581, OMIM 605676.
Arrhythmogenic right ventricular dysplasia 8 (ARVD8). Also called: Arrhythmogenic Right Ventricular Dysplasia/Cardiomyopathy 8; ARRHYTHMOGENIC RIGHT VENTRICULAR DYSPLASIA, FAMILIAL, 8; ARRHYTHMOGENIC RIGHT VENTRICULAR CARDIOMYOPATHY 8. Identifiers: MedGen C1843896, MONDO:0011831, OMIM 607450.

Allele frequency attached by ClinVar (database versions not stated): TOPMed below 0.00001.

Submissions (2):

All of Us Research Program, National Institutes of Health
Classification: Uncertain significance for Arrhythmogenic cardiomyopathy with wooly hair and keratoderma. Last evaluated: 2023-12-01. Review status: criteria provided, single submitter. Criteria: ACMG Guidelines, 2015. Collection method: clinical testing. Allele origin: germline. Inheritance: Autosomal dominant inheritance. Observed: 2 variant alleles, 2 heterozygotes.
Comment: This study involves interpretation of variants in research participants for the purpose of population health screening. Participant phenotype was not available at the time of variant classification. Additional details can be found in publication PMID: 35346344, PMCID: PMC8962531

Labcorp Genetics (formerly Invitae), Labcorp
Classification: Uncertain significance for Arrhythmogenic cardiomyopathy with wooly hair and keratoderma; Arrhythmogenic right ventricular dysplasia 8. Last evaluated: 2020-10-27. Review status: criteria provided, single submitter. Criteria: Invitae Variant Classification Sherloc (09022015). Collection method: clinical testing. Allele origin: germline.
Comment: In summary, this variant is a novel missense change with uncertain impact on protein function. It has been classified as a Variant of Uncertain Significance. Algorithms developed to predict the effect of missense changes on protein structure and function do not agree on the potential impact of this missense change (SIFT: "Deleterious"; PolyPhen-2: "Benign"; Align-GVGD: "Class C0"). This variant is not present in population databases (ExAC no frequency) and has not been reported in the literature in individuals with a DSP-related disease. This sequence change replaces arginine with serine at codon 464 of the DSP protein (p.Arg464Ser). The arginine residue is moderately conserved and there is a moderate physicochemical difference between arginine and serine.